The following is an entry in ClinVar:

NM_031407.7(HUWE1):c.5520+5G>A

Gene: HUWE1 (HECT, UBA and WWE domain containing E3 ubiquitin protein ligase 1; minus strand). Cytogenetic location: Xp11.22.
Variant type: single nucleotide variant.
Coding change: c.5520+5G>A on transcript NM_031407.7 (MANE Select); 5 bases into the intron after coding-DNA position 5520, G replaced by A.
Molecular consequence: intron variant.
Genome position (GRCh38, 1-based): chrX:53,583,553, C>T on the plus strand (G>A on the coding strand, the complement: HUWE1 is on the minus strand). VCF-style: chrX-53583553-C-T. GRCh37 (hg19) VCF-style: chrX-53610513-C-T.
Other names: c.5520+5G>A (NM_001441048.1, NM_001441051.1, NM_001441049.1 and 6 more transcripts); c.5541+5G>A (NM_001441050.1, NM_001441055.1).
Identifiers: ClinVar variation 4708055 (VCV004708055.1).

ClinVar aggregate classification (germline): Uncertain significance (1 of 4 stars; one submission).

gnomAD v4.1: 3 of 1,149,821 alleles (0.00026%); highest among the groups gnomAD compares: Admixed American, 0.0022%; no homozygotes.

Submission:

Labcorp Genetics (formerly Invitae), Labcorp
Classification: Uncertain significance. Last evaluated: 2025-09-23. Review status: criteria provided, single submitter. Criteria: Invitae Variant Classification Sherloc (09022015). Collection method: clinical testing. Allele origin: germline.
Comment: This sequence change falls in intron 42 of the HUWE1 gene. It does not directly change the encoded amino acid sequence of the HUWE1 protein. It affects a nucleotide within the consensus splice site. This variant is present in population databases (rs782010203, gnomAD 0.004%). This variant has not been reported in the literature in individuals affected with HUWE1-related conditions. Variants that disrupt the consensus splice site are a relatively common cause of aberrant splicing (PMID: 17576681, 9536098). Algorithms developed to predict the effect of sequence changes on RNA splicing suggest that this variant is not likely to affect RNA splicing. In summary, the available evidence is currently insufficient to determine the role of this variant in disease. Therefore, it has been classified as a Variant of Uncertain Significance.

Literature cited by the submitters: PubMed 17576681; PubMed 9536098.